The following is an entry in ClinVar:

NM_001113378.2(FANCI):c.1114G>A (p.Val372Ile)

Gene: FANCI (FA complementation group I; plus strand). Cytogenetic location: 15q26.1.
Variant type: single nucleotide variant.
Coding change: c.1114G>A on transcript NM_001113378.2 (MANE Select); coding-DNA position 1114, G replaced by A.
Protein change: p.Val372Ile; replaces valine 372 with isoleucine.
Molecular consequence: missense variant.
Genome position (GRCh38, 1-based): chr15:89,276,712, G>A. VCF-style: chr15-89276712-G-A. GRCh37 (hg19) VCF-style: chr15-89819943-G-A.
Other names: c.835G>A, p.Val279Ile (NM_001376910.1); c.1114G>A, p.Val372Ile (NM_001376911.1, NM_018193.3); short protein forms V372I, V279I.
Identifiers: ClinVar variation 317271 (VCV000317271.21), dbSNP rs76788798, ClinGen allele CA7722933.

ClinVar aggregate classification (germline): Benign. Review status: criteria provided, multiple submitters, no conflicts (2 of 4 stars). 7 submissions from 7 submitters: Benign (7). Last evaluated 2026-02-02.

Conditions:
Fanconi anemia (FA). Also called: Fanconi's anemia. Identifiers: Orphanet 84, MedGen C0015625, MeSH D005199, MONDO:0019391.
Fanconi anemia complementation group I (FANCI). Also called: FANCI-Related Fanconi Anemia. Identifiers: Orphanet 84, MedGen C1836861, MONDO:0012186, OMIM 609053.

Allele frequency attached by ClinVar (database versions not stated): ExAC 0.00503; gnomAD 0.01563 and 0.01679; ESP Exome Variant Server 0.01754; 1000 Genomes Project 30x 0.01874; gnomAD exomes 0.00396 and 0.00147; 1000 Genomes Project 0.01857; TOPMed 0.01717.
gnomAD v4.1: 4,594 of 1,614,064 alleles (0.28%); highest among the groups gnomAD compares: African/African-American, 5.5%; 123 homozygotes.

Submissions (7):

Labcorp Genetics (formerly Invitae), Labcorp
Classification: Benign for Fanconi anemia. Last evaluated: 2026-02-02. Review status: criteria provided, single submitter. Criteria: Invitae Variant Classification Sherloc (09022015). Collection method: clinical testing. Allele origin: germline.

Dasa
Classification: Benign. Last evaluated: 2024-12-14. Review status: criteria provided, single submitter. Criteria: DASA Assertion Criteria. Collection method: clinical testing. Allele origin: germline.
Comment: NM_001113378.2(FANCI):c.1114G>A (p.Val372Ile) is interpreted as benign based on a combination of available evidence, including population frequency. Based on the available data, this variant is classified as benign.

KCCC/NGS Laboratory, Kuwait Cancer Control Center
Classification: Benign for Fanconi anemia complementation group I. Last evaluated: 2023-07-07. Review status: criteria provided, single submitter. Criteria: ACMG Guidelines, 2015. Collection method: clinical testing. Allele origin: germline. Affected: yes.

Sema4
Classification: Benign for Fanconi anemia. Last evaluated: 2020-02-24. Review status: criteria provided, single submitter. Criteria: Sema4 Curation Guidelines. Collection method: curation. Allele origin: germline.

GeneDx
Classification: Benign. Last evaluated: 2018-10-27. Review status: criteria provided, single submitter. Criteria: GeneDx Variant Classification Process June 2021. Collection method: clinical testing. Allele origin: germline. Affected: yes.

Illumina Laboratory Services, Illumina
Classification: Benign for Fanconi anemia complementation group I. Last evaluated: 2018-01-12. Review status: criteria provided, single submitter. Criteria: ICSL Variant Classification Criteria 13 December 2019. Collection method: clinical testing. Allele origin: germline.
Comment: This variant was observed in the ICSL laboratory as part of a predisposition screen in an ostensibly healthy population. It had not been previously curated by ICSL or reported in the Human Gene Mutation Database (HGMD: prior to June 1st, 2018), and was therefore a candidate for classification through an automated scoring system. Utilizing variant allele frequency, disease prevalence and penetrance estimates, and inheritance mode, an automated score was calculated to assess if this variant is too frequent to cause the disease. Based on the score and internal cut-off values, a variant classified as benign is not then subjected to further curation. The score for this variant resulted in a classification of benign for this disease.

Breakthrough Genomics
Classification: Benign. Review status: criteria provided, single submitter. Criteria: ACMG Guidelines, 2015. Collection method: not provided. Allele origin: germline. Inheritance: Autosomal recessive inheritance. Affected: yes.